The following is an entry in ClinVar:

ClinVar aggregate classification (germline): Uncertain significance (1 of 4 stars; one submission).

Conditions:
Immunodeficiency 23 (IMD23). Also called: IMMUNODEFICIENCY-VASCULITIS-MYOCLONUS SYNDROME; IMMUNODEFICIENCY WITH HYPER IgE AND COGNITIVE IMPAIRMENT. Identifiers: Orphanet 443811, MedGen C4014371, MONDO:0014353, OMIM 615816.

Submission:

Labcorp Genetics (formerly Invitae), Labcorp
Classification: Uncertain significance for Immunodeficiency 23. Last evaluated: 2022-06-08. Review status: criteria provided, single submitter. Criteria: Invitae Variant Classification Sherloc (09022015). Collection method: clinical testing. Allele origin: germline.
Comment: This sequence change replaces lysine, which is basic and polar, with asparagine, which is neutral and polar, at codon 214 of the PGM3 protein (p.Lys214Asn). This variant is not present in population databases (gnomAD no frequency). This variant has not been reported in the literature in individuals affected with PGM3-related conditions. Algorithms developed to predict the effect of missense changes on protein structure and function are either unavailable or do not agree on the potential impact of this missense change (SIFT: "Tolerated"; PolyPhen-2: "Probably Damaging"; Align-GVGD: "Class C0"). In summary, the available evidence is currently insufficient to determine the role of this variant in disease. Therefore, it has been classified as a Variant of Uncertain Significance.

NM_015599.3(PGM3):c.558A>T (p.Lys186Asn)

Gene: PGM3 (phosphoglucomutase 3; minus strand). Cytogenetic location: 6q14.1.
Variant type: single nucleotide variant.
Coding change: c.558A>T on transcript NM_015599.3 (MANE Select); coding-DNA position 558, A replaced by T.
Protein change: p.Lys186Asn; replaces lysine 186 with asparagine.
Molecular consequence: missense variant. On other transcripts: non-coding transcript variant (1).
Genome position (GRCh38, 1-based): chr6:83,182,878, T>A on the plus strand (A>T on the coding strand, the complement: PGM3 is on the minus strand). VCF-style: chr6-83182878-T-A. GRCh37 (hg19) VCF-style: chr6-83892597-T-A.
Other names: c.642A>T, p.Lys214Asn (NM_001199917.2, NM_001367287.1); c.315A>T, p.Lys105Asn (NM_001199918.2); c.558A>T, p.Lys186Asn (NM_001199919.2, NM_001367286.1); short protein forms K105N, K186N, K214N.
Identifiers: ClinVar variation 2003402 (VCV002003402.1), dbSNP rs1426432082, ClinGen allele CA364882572.